The following is an entry in ClinVar:

ClinVar aggregate classification (germline): Pathogenic/Likely pathogenic. Review status: criteria provided, multiple submitters, no conflicts (2 of 4 stars). 3 submissions from 3 submitters: Pathogenic (1); Likely pathogenic (2). Last evaluated 2025-07-28.

Conditions:
Congenital hyperammonemia, type I. Also called: Carbamoyl phosphate synthetase I deficiency disease; Carbamoyl phosphate synthetase 1 deficiency; Hyperammonemia due to carbamoyl phosphate synthetase 1 deficiency; CPS 1 deficiency; Carbamyl phosphate synthetase (CPS) deficiency; Carbamoyl-phosphate synthase I deficiency. Identifiers: Orphanet 147, MedGen C4082171, MONDO:0009376, OMIM 237300.

Submissions (3):

Natera, Inc.
Classification: Likely pathogenic for Carbamoyl-phosphate synthase I deficiency. Last evaluated: 2025-07-28. Review status: criteria provided, single submitter. Criteria: Natera Variant Classification Schema (03/2026). Collection method: clinical testing. Allele origin: germline.
Comment: The c.731delT variant in CPS1 is a frameshift variant predicted to shift the reading frame and introduce a stop codon. This variant is expected to result in nonsense mediated decay, truncation, or a dysfunctional protein product. This variant is rare in the general population with a frequency below the threshold expected for the associated phenotype(s). Given the available evidence, this variant is classified as Likely Pathogenic.

Labcorp Genetics (formerly Invitae), Labcorp
Classification: Pathogenic for Congenital hyperammonemia, type I. Last evaluated: 2023-09-26. Review status: criteria provided, single submitter. Criteria: Invitae Variant Classification Sherloc (09022015). Collection method: clinical testing. Allele origin: germline.
Comment: This variant is present in population databases (rs778346264, gnomAD 0.0009%). This sequence change creates a premature translational stop signal (p.Leu244*) in the CPS1 gene. It is expected to result in an absent or disrupted protein product. Loss-of-function variants in CPS1 are known to be pathogenic (PMID: 21120950). For these reasons, this variant has been classified as Pathogenic. ClinVar contains an entry for this variant (Variation ID: 633180). This variant is also known as p.L243X. This premature translational stop signal has been observed in individual(s) with carbamoyl phosphate synthetase I deficiency (PMID: 16737834).

Women's Health and Genetics/Laboratory Corporation of America, LabCorp
Classification: Likely pathogenic for Carbamoyl-phosphate synthetase 1 deficiency. Last evaluated: 2018-03-05. Review status: criteria provided, single submitter. Criteria: LabCorp Variant Classification Summary - May 2015. Collection method: clinical testing. Allele origin: germline.
Comment: Variant summary: CPS1 c.731delT (p.Leu244X) results in a premature termination codon, predicted to cause a truncation of the encoded protein or absence of the protein due to nonsense mediated decay, which are commonly known mechanisms for disease. The variant, c.731delT, (referred to in the publication as c.854delT) has been reported in the literature in individuals affected with Carbamoylphosphate Synthetase I Deficiency (Eeds_2006). These data indicate that the variant may be associated with disease. To our knowledge, no experimental evidence demonstrating an impact on protein function has been reported. No clinical diagnostic laboratories have submitted clinical-significance assessments for this variant to ClinVar after 2014. Based on the evidence outlined above, the variant was classified as likely pathogenic.

Literature cited by the submitters: PubMed 21120950 (cited by Labcorp Genetics (formerly Invitae), Labcorp); PubMed 16737834 (cited by Labcorp Genetics (formerly Invitae), Labcorp and Women's Health and Genetics/Laboratory Corporation of America, LabCorp).

NM_001875.5(CPS1):c.731del (p.His243_Leu244insTer)

Gene: CPS1 (carbamoyl-phosphate synthase 1; plus strand). Cytogenetic location: 2q34.
Variant type: Deletion.
Coding change: c.731del on transcript NM_001875.5 (MANE Select); coding-DNA position 731, one base deleted (T; older notation c.731delT).
Protein change: p.His243_Leu244insTer.
Molecular consequence: nonsense. On other transcripts: non-coding transcript variant (1).
Genome position (GRCh38, 1-based): chr2:210,590,125, T deleted; the last of 2 consecutive T bases (chr2:210,590,124-210,590,125); deleting either gives the same sequence. VCF-style (leftmost placement, unchanged base first): chr2-210590123-CT-C. GRCh37 (hg19) VCF-style: chr2-211454847-CT-C.
Other names: c.731del, p.His243_Leu244insTer (NM_001122633.3, NM_001369257.1); c.764del, p.His254_Leu255insTer (NM_001369256.1).
Identifiers: ClinVar variation 633180 (VCV000633180.8), dbSNP rs778346264, ClinGen allele CA2086131.